The following is an entry in ClinVar:

ClinVar aggregate classification (germline): Benign/Likely benign. Review status: criteria provided, multiple submitters, no conflicts (2 of 4 stars). 4 submissions from 4 submitters: Benign (1); Likely benign (2). 1 of the submissions does not count toward it. Last evaluated 2024-06-13.

Conditions:
Familial cancer of breast. Also called: Hereditary breast cancer; hereditary breast carcinoma; BREAST CANCER, FAMILIAL. Identifiers: Orphanet 227535, MedGen C0346153, MONDO:0016419, OMIM 114480. Disease mechanism: loss of function.
Ataxia-telangiectasia syndrome (AT). Also called: Ataxia telangiectasia (A-T); ATAXIA-TELANGIECTASIA, COMPLEMENTATION GROUP A; ATAXIA-TELANGIECTASIA, FRESNO VARIANT; Ataxia-telangiectasia; Ataxia-telangiectasia, complementation group E; LOUIS-BAR SYNDROME. Identifiers: Orphanet 100, MedGen C0004135, MONDO:0008840, OMIM 208900.
Hereditary cancer-predisposing syndrome. Also called: Neoplastic Syndromes, Hereditary; Tumor predisposition; Hereditary Cancer Syndrome; Hereditary neoplastic syndrome. Identifiers: Orphanet 140162, MedGen C0027672, MeSH D009386, MONDO:0015356.

Submissions (4):

Myriad Genetics, Inc.
Classification: Benign for Familial cancer of breast. Last evaluated: 2024-06-13. Review status: criteria provided, single submitter. Criteria: Myriad Autosomal Dominant, Autosomal Recessive and X-Linked Classification Criteria (2023). Collection method: clinical testing. Allele origin: unknown.
Comment: This variant is considered benign. This variant is a silent/synonymous amino acid change and it is not expected to impact splicing.

Labcorp Genetics (formerly Invitae), Labcorp
Classification: Likely benign for Ataxia-telangiectasia syndrome. Last evaluated: 2023-08-17. Review status: criteria provided, single submitter. Criteria: Invitae Variant Classification Sherloc (09022015). Collection method: clinical testing. Allele origin: germline.

Ambry Genetics
Classification: Likely benign for Hereditary cancer-predisposing syndrome. Last evaluated: 2021-03-31. Review status: criteria provided, single submitter. Criteria: Ambry Variant Classification Scheme 2023. Collection method: clinical testing. Allele origin: germline.

Natera, Inc.
Classification: Uncertain significance for Ataxia-telangiectasia. Last evaluated: 2025-02-13. Review status: no assertion criteria provided. Collection method: clinical testing. Allele origin: germline. Not counted in ClinVar's aggregate classification.

NM_000051.4(ATM):c.7368A>G (p.Lys2456=)

Genes: ATM (ATM serine/threonine kinase; plus strand), C11orf65 (chromosome 11 open reading frame 65; minus strand). Cytogenetic location: 11q22.3.
Variant type: single nucleotide variant.
Coding change: c.7368A>G on transcript NM_000051.4 (MANE Select); coding-DNA position 7368, A replaced by G.
Protein change: p.Lys2456=; no amino-acid change (lysine 2456 retained).
Molecular consequence: synonymous variant. On other transcripts: intron variant (2).
Genome position (GRCh38, 1-based): chr11:108,330,274, A>G. VCF-style: chr11-108330274-A-G. GRCh37 (hg19) VCF-style: chr11-108201001-A-G.
Other names: c.7368A>G, p.Lys2456= (NM_001351834.2); c.641-21203T>C (NM_001330368.2); c.*38+4946T>C (NM_001351110.2).
Identifiers: ClinVar variation 1059707 (VCV001059707.12), dbSNP rs2136455679, ClinGen allele CA476676871.
Genomic context (GRCh38, chr11:108,330,274, plus strand): 5'-ATACACAGTAAAGGTTCAGCGAGAGCTGGAGTTGGATGAATTAGCCCTGCGTGCACTGAA[A>G]GAGGATCGTAAACGCTTCTTATGTAAAGCAGTTGAAAATTATATCAACTGCTTATTAAGT-3'
Protein context (NP_000042.3, residues 2446-2466): ELDELALRAL[Lys2456=]EDRKRFLCKA